The following is an entry in ClinVar:

ClinVar aggregate classification (germline): Conflicting classifications of pathogenicity. Review status: criteria provided, conflicting classifications (1 of 4 stars). 6 submissions from 6 submitters: Uncertain significance (4); Likely benign (1). 1 of the submissions does not count toward it. Last evaluated 2026-01-31.

Conditions:
Hereditary cancer-predisposing syndrome. Also called: Tumor predisposition; Hereditary Cancer Syndrome; Neoplastic Syndromes, Hereditary; Hereditary neoplastic syndrome. Identifiers: Orphanet 140162, MedGen C0027672, MeSH D009386, MONDO:0015356.
Hereditary breast ovarian cancer syndrome. Also called: Hereditary breast and ovarian cancer; Hereditary breast and/or ovarian cancer syndrome; BRCA1- and BRCA2-Associated Hereditary Breast and Ovarian Cancer; Hereditary breast and ovarian cancer syndrome; Hereditary breast and ovarian cancer syndrome (HBOC); Breast and ovarian cancer. Identifiers: Orphanet 145, MedGen C0677776, MeSH D061325, MONDO:0003582. Disease mechanism: loss of function.
Breast-ovarian cancer, familial, susceptibility to, 2 (BROVCA2). Also called: BRCA2 Hereditary Breast and Ovarian Cancer. Identifiers: Orphanet 145, MedGen C2675520, MONDO:0012933, OMIM 612555. Disease mechanism: loss of function.

Submissions (6):

Labcorp Genetics (formerly Invitae), Labcorp
Classification: Uncertain significance for Hereditary breast ovarian cancer syndrome. Last evaluated: 2026-01-31. Review status: criteria provided, single submitter. Criteria: Invitae Variant Classification Sherloc (09022015). Collection method: clinical testing. Allele origin: germline.
Comment: This sequence change replaces lysine, which is basic and polar, with glutamic acid, which is acidic and polar, at codon 1343 of the BRCA2 protein (p.Lys1343Glu). This variant is not present in population databases (gnomAD no frequency). This missense change has been observed in individual(s) with breast cancer (PMID: 22652532). ClinVar contains an entry for this variant (Variation ID: 126034). Invitae Evidence Modeling of protein sequence and biophysical properties (such as structural, functional, and spatial information, amino acid conservation, physicochemical variation, residue mobility, and thermodynamic stability) indicates that this missense variant is not expected to disrupt BRCA2 protein function with a negative predictive value of 95%. In summary, the available evidence is currently insufficient to determine the role of this variant in disease. Therefore, it has been classified as a Variant of Uncertain Significance.

Ambry Genetics
Classification: Uncertain significance for Hereditary cancer-predisposing syndrome. Last evaluated: 2025-07-31. Review status: criteria provided, single submitter. Criteria: Ambry Variant Classification Scheme 2023. Collection method: clinical testing. Allele origin: germline.
Comment: The p.K1343E variant (also known as c.4027A>G), located in coding exon 10 of the BRCA2 gene, results from an A to G substitution at nucleotide position 4027. The lysine at codon 1343 is replaced by glutamic acid, an amino acid with similar properties. Family history included melanoma and cancer, primary site unknown (Schulz, E et al. J Med Genet. 2012 Jul;49(7):422-8). This amino acid position is not well conserved in available vertebrate species. In addition, this alteration is predicted to be tolerated by in silico analysis. Since supporting evidence is limited at this time, the clinical significance of this alteration remains unclear.

GeneDx
Classification: Uncertain significance. Last evaluated: 2025-06-16. Review status: criteria provided, single submitter. Criteria: GeneDx Variant Classification Process June 2021. Collection method: clinical testing. Allele origin: germline. Affected: yes.
Comment: Not observed at significant frequency in large population cohorts (gnomAD); In silico analysis supports that this missense variant has a deleterious effect on protein structure/function; Also known as 4255A>G; This variant is associated with the following publications: (PMID: 22652532, 31853058)

All of Us Research Program, National Institutes of Health
Classification: Uncertain significance for Breast-ovarian cancer, familial, susceptibility to, 2. Last evaluated: 2023-08-23. Review status: criteria provided, single submitter. Criteria: ACMG Guidelines, 2015. Collection method: clinical testing. Allele origin: germline. Inheritance: Autosomal dominant inheritance. Observed: 1 variant allele, 1 heterozygote.
Comment: This missense variant replaces lysine with glutamic acid at codon 1343 of the BRCA2 protein. Computational prediction suggests that this variant may not impact protein structure and function (internally defined REVEL score threshold <= 0.5, PMID: 27666373). To our knowledge, functional studies have not been reported for this variant. This variant has not been reported in individuals affected with BRCA2-related disorders in the literature. This variant has been reported in an individual affected with therapy related myeloid neoplasm, however, the primary cancer of the carrier was not provided (PMID: 22652532) and in an individual who underwent hereditary cancer multigene panel testing (PMID: 31853058). This variant has not been identified in the general population by the Genome Aggregation Database (gnomAD). The available evidence is insufficient to determine the role of this variant in disease conclusively. Therefore, this variant is classified as a Variant of Uncertain Significance.

This study involves interpretation of variants in research participants for the purpose of population health screening. Participant phenotype was not available at the time of variant classification. Additional details can be found in publication PMID: 35346344, PMCID: PMC8962531

University of Washington Department of Laboratory Medicine, University of Washington
Classification: Likely benign for Hereditary cancer-predisposing syndrome. Last evaluated: 2023-03-23. Review status: criteria provided, single submitter. Criteria: Dines et al. (Genet Med. 2020). Collection method: curation. Allele origin: germline.
Comment: Missense variant in a coldspot region where missense variants are very unlikely to be pathogenic (PMID:31911673).

BRCA2 exon 11 coldspot. Reclassification based on statistical prior probability.

Breast Cancer Information Core (BIC) (BRCA2)
Classification: Uncertain significance for Breast-ovarian cancer, familial 2. Last evaluated: 2012-04-07. Review status: no assertion criteria provided. Collection method: clinical testing. Allele origin: germline. Affected: yes. Observed: 1 variant allele. Not counted in ClinVar's aggregate classification.

Literature cited by the submitters: PubMed 22652532 (cited by 3 submitters); PubMed 31853058 (cited by All of Us Research Program, National Institutes of Health).

NM_000059.4(BRCA2):c.4027A>G (p.Lys1343Glu)

Gene: BRCA2 (BRCA2 DNA repair associated; plus strand). Cytogenetic location: 13q13.1.
Variant type: single nucleotide variant.
Coding change: c.4027A>G on transcript NM_000059.4 (MANE Select); coding-DNA position 4027, A replaced by G.
Protein change: p.Lys1343Glu; replaces lysine 1343 with glutamic acid.
Molecular consequence: missense variant.
Genome position (GRCh38, 1-based): chr13:32,338,382, A>G. VCF-style: chr13-32338382-A-G. GRCh37 (hg19) VCF-style: chr13-32912519-A-G.
Other names: short protein forms K1343E.
Identifiers: ClinVar variation 126034 (VCV000126034.18), dbSNP rs483353114, ClinGen allele CA019411.
Genomic context (GRCh38, chr13:32,338,382, plus strand): 5'-AAATATACTGCTGCCAGTAGAAATTCTCATAACTTAGAATTTGATGGCAGTGATTCAAGT[A>G]AAAATGATACTGTTTGTATTCATAAAGATGAAACGGACTTGCTATTTACTGATCAGCACA-3'
Protein context (NP_000050.3, residues 1333-1353): NLEFDGSDSS[Lys1343Glu]NDTVCIHKDE